The following is an entry in ClinVar:

NM_002473.6(MYH9):c.5629C>T (p.Arg1877Trp)

Gene: MYH9 (myosin heavy chain 9; minus strand). Cytogenetic location: 22q12.3.
Variant type: single nucleotide variant.
Coding change: c.5629C>T on transcript NM_002473.6 (MANE Select); coding-DNA position 5629, C replaced by T.
Protein change: p.Arg1877Trp; replaces arginine 1877 with tryptophan.
Molecular consequence: missense variant.
Genome position (GRCh38, 1-based): chr22:36,284,229, G>A on the plus strand (C>T on the coding strand, the complement: MYH9 is on the minus strand). VCF-style: chr22-36284229-G-A. GRCh37 (hg19) VCF-style: chr22-36680275-G-A.
Other names: c.5629C>T (NM_002473.4); short protein forms R1877W.
Identifiers: ClinVar variation 1709634 (VCV001709634.8), dbSNP rs375674671, ClinGen allele CA10208975.

ClinVar aggregate classification (germline): Uncertain significance. Review status: criteria provided, multiple submitters, no conflicts (2 of 4 stars). 3 submissions from 3 submitters: Uncertain significance (3). Last evaluated 2025-03-05.

Conditions:
Macrothrombocytopenia and granulocyte inclusions with or without nephritis or sensorineural hearing loss (MATINS). Also called: SEBASTIAN PLATELET SYNDROME; MACROTHROMBOCYTOPENIA WITH DISPERSED LEUKOCYTIC INCLUSIONS; MACROTHROMBOCYTOPENIA, NEPHRITIS, AND DEAFNESS; MACROTHROMBOCYTOPENIA, NEPHRITIS, DEAFNESS, AND LEUKOCYTE INCLUSIONS; ALPORT SYNDROME WITH MACROTHROMBOCYTOPENIA; Fechtner syndrome. Identifiers: Orphanet 182050, MedGen C5200934, MONDO:0015912, OMIM 155100.

Allele frequency attached by ClinVar (database versions not stated): gnomAD 0.00002; gnomAD exomes 0.00003; ExAC 0.00006; TOPMed 0.00006; ESP Exome Variant Server 0.00008.
gnomAD v4.1: 45 of 1,612,438 alleles (0.0028%); highest among the groups gnomAD compares: Middle Eastern, 0.017%; no homozygotes.

Submissions (3):

Labcorp Genetics (formerly Invitae), Labcorp
Classification: Uncertain significance. Last evaluated: 2025-03-05. Review status: criteria provided, single submitter. Criteria: Invitae Variant Classification Sherloc (09022015). Collection method: clinical testing. Allele origin: germline.
Comment: This sequence change replaces arginine, which is basic and polar, with tryptophan, which is neutral and slightly polar, at codon 1877 of the MYH9 protein (p.Arg1877Trp). This variant is present in population databases (rs375674671, gnomAD 0.007%). This variant has not been reported in the literature in individuals affected with MYH9-related conditions. ClinVar contains an entry for this variant (Variation ID: 1709634). Invitae Evidence Modeling of protein sequence and biophysical properties (such as structural, functional, and spatial information, amino acid conservation, physicochemical variation, residue mobility, and thermodynamic stability) has been performed for this missense variant. However, the output from this modeling did not meet the statistical confidence thresholds required to predict the impact of this variant on MYH9 protein function. In summary, the available evidence is currently insufficient to determine the role of this variant in disease. Therefore, it has been classified as a Variant of Uncertain Significance.

GeneDx
Classification: Uncertain significance. Last evaluated: 2024-05-30. Review status: criteria provided, single submitter. Criteria: GeneDx Variant Classification Process June 2021. Collection method: clinical testing. Allele origin: germline. Affected: yes.
Comment: Reported in a large cohort of individuals with neurodevelopmental disorders, but detailed clinical information not provided (PMID: 33004838); In silico analysis supports that this missense variant has a deleterious effect on protein structure/function; This variant is associated with the following publications: (PMID: 33004838)

MGZ Medical Genetics Center
Classification: Uncertain significance for Macrothrombocytopenia and granulocyte inclusions with or without nephritis or sensorineural hearing loss. Last evaluated: 2022-07-14. Review status: criteria provided, single submitter. Criteria: ACMG Guidelines, 2015. Collection method: clinical testing. Allele origin: germline. Affected: yes. Observed: 1 variant allele.
Comment: ACMG criteria applied: PM2_SUP, PP2, PP3